The following is an entry in ClinVar:

ClinVar aggregate classification (germline): Uncertain significance (1 of 4 stars; one submission).

Conditions:
Duchenne muscular dystrophy (DMD). Also called: MUSCULAR DYSTROPHY, PSEUDOHYPERTROPHIC PROGRESSIVE, DUCHENNE TYPE; Duchenne Muscular Dystrophy (DMD). Identifiers: Orphanet 98896, MedGen C0013264, MONDO:0010679, OMIM 310200.

gnomAD v4.1: 2 of 1,201,649 alleles (0.00017%); highest among the groups gnomAD compares: South Asian, 0.0018%; no homozygotes.

Submission:

Labcorp Genetics (formerly Invitae), Labcorp
Classification: Uncertain significance for Duchenne muscular dystrophy. Last evaluated: 2025-02-05. Review status: criteria provided, single submitter. Criteria: Invitae Variant Classification Sherloc (09022015). Collection method: clinical testing. Allele origin: germline.
Comment: This sequence change replaces threonine, which is neutral and polar, with isoleucine, which is neutral and non-polar, at codon 1560 of the DMD protein (p.Thr1560Ile). This variant is not present in population databases (gnomAD no frequency). This variant has not been reported in the literature in individuals affected with DMD-related conditions. Invitae Evidence Modeling of protein sequence and biophysical properties (such as structural, functional, and spatial information, amino acid conservation, physicochemical variation, residue mobility, and thermodynamic stability) indicates that this missense variant is not expected to disrupt DMD protein function with a negative predictive value of 95%. In summary, the available evidence is currently insufficient to determine the role of this variant in disease. Therefore, it has been classified as a Variant of Uncertain Significance.

NM_004006.3(DMD):c.4679C>T (p.Thr1560Ile)

Gene: DMD (dystrophin; minus strand). Cytogenetic location: Xp21.1.
Variant type: single nucleotide variant.
Coding change: c.4679C>T on transcript NM_004006.3 (MANE Select); coding-DNA position 4679, C replaced by T.
Protein change: p.Thr1560Ile; replaces threonine 1560 with isoleucine.
Molecular consequence: missense variant.
Genome position (GRCh38, 1-based): chrX:32,380,676, G>A on the plus strand (C>T on the coding strand, the complement: DMD is on the minus strand). VCF-style: chrX-32380676-G-A. GRCh37 (hg19) VCF-style: chrX-32398793-G-A.
Other names: c.4655C>T, p.Thr1552Ile (NM_000109.4); c.4667C>T, p.Thr1556Ile (NM_004009.3); c.4310C>T, p.Thr1437Ile (NM_004010.3); c.656C>T, p.Thr219Ile (NM_004011.4); c.647C>T, p.Thr216Ile (NM_004012.4); short protein forms T219I, T1437I, T1556I, T1552I, T1560I, T216I.
Identifiers: ClinVar variation 3631497 (VCV003631497.2).